The following is an entry in ClinVar:

NM_001145358.2(SIN3A):c.1091G>A (p.Arg364His)

Gene: SIN3A (SIN3 transcription regulator family member A; minus strand). Cytogenetic location: 15q24.2.
Variant type: single nucleotide variant.
Coding change: c.1091G>A on transcript NM_001145358.2 (MANE Select); coding-DNA position 1091, G replaced by A.
Protein change: p.Arg364His; replaces arginine 364 with histidine.
Molecular consequence: missense variant.
Genome position (GRCh38, 1-based): chr15:75,410,204, C>T on the plus strand (G>A on the coding strand, the complement: SIN3A is on the minus strand). VCF-style: chr15-75410204-C-T. GRCh37 (hg19) VCF-style: chr15-75702545-C-T.
Other names: c.1091G>A, p.Arg364His (NM_001145357.2, NM_015477.3); short protein forms R364H.
Identifiers: ClinVar variation 3622917 (VCV003622917.2).

ClinVar aggregate classification (germline): Uncertain significance (1 of 4 stars; one submission).

gnomAD v4.1: 15 of 1,613,922 alleles (0.00093%); highest among the groups gnomAD compares: African/African-American, 0.0027%; no homozygotes.

Submission:

Labcorp Genetics (formerly Invitae), Labcorp
Classification: Uncertain significance. Last evaluated: 2024-07-25. Review status: criteria provided, single submitter. Criteria: Invitae Variant Classification Sherloc (09022015). Collection method: clinical testing. Allele origin: germline.
Comment: This sequence change replaces arginine, which is basic and polar, with histidine, which is basic and polar, at codon 364 of the SIN3A protein (p.Arg364His). This variant is present in population databases (rs755626784, gnomAD 0.007%). This missense change has been observed in individual(s) with neurodevelopmental disorders (PMID: 33004838). Advanced modeling of protein sequence and biophysical properties (such as structural, functional, and spatial information, amino acid conservation, physicochemical variation, residue mobility, and thermodynamic stability) performed at Invitae indicates that this missense variant is not expected to disrupt SIN3A protein function with a negative predictive value of 80%. In summary, the available evidence is currently insufficient to determine the role of this variant in disease. Therefore, it has been classified as a Variant of Uncertain Significance.

Literature cited by the submitters: PubMed 33004838.